The following is an entry in ClinVar:

ClinVar aggregate classification (germline): Likely benign (1 of 4 stars; one submission).

Conditions:
Familial hypercholesterolemia. Also called: Familial hypercholesterolaemia. Identifiers: MedGen C0020445, MONDO:0005439.

Submission:

GENinCode PLC
Classification: Likely benign for Familial hypercholesterolemia. Last evaluated: 2023-03-16. Review status: criteria provided, single submitter. Criteria: ACMG Guidelines, 2015. Collection method: clinical testing. Allele origin: germline.
Comment: This is a synonymous (silent) variant that is not predicted by SpliceAI to impact splicing. In addition, it occurs at a nucleotide that is not conserved. Therefore this variant has been classified as Likely Benign (BP4, BP7).

NM_000384.3(APOB):c.13353T>C (p.Tyr4451=)

Gene: APOB (apolipoprotein B; minus strand). Cytogenetic location: 2p24.1.
Variant type: single nucleotide variant.
Coding change: c.13353T>C on transcript NM_000384.3 (MANE Select); coding-DNA position 13353, T replaced by C.
Protein change: p.Tyr4451=; no amino-acid change (tyrosine 4451 retained).
Molecular consequence: synonymous variant.
Genome position (GRCh38, 1-based): chr2:21,002,069, A>G on the plus strand (T>C on the coding strand, the complement: APOB is on the minus strand). VCF-style: chr2-21002069-A-G. GRCh37 (hg19) VCF-style: chr2-21224941-A-G.
Identifiers: ClinVar variation 3393014 (VCV003393014.1).
Genomic context (GRCh38, chr2:21,002,069, plus strand): 5'-GGCAGAAAGCTCTGCAATCTTCTCTTTCCCTTTTCCATCTGGATCGGTAAGGATGCTAAG[A>G]TATTCCTGAATATTTCTGTGCAGAAATTGCTCAACTTGACTTGAGAGTTGGGAAGTAAAG-3'
Protein context (NP_000375.3, residues 4441-4461): EQFLHRNIQE[Tyr4451=]LSILTDPDGK